The following is an entry in ClinVar:

NM_022552.5(DNMT3A):c.1242C>T (p.Phe414=)

Gene: DNMT3A (DNA methyltransferase 3 alpha; minus strand). Cytogenetic location: 2p23.3.
Variant type: single nucleotide variant.
Coding change: c.1242C>T on transcript NM_022552.5 (MANE Select); coding-DNA position 1242, C replaced by T.
Protein change: p.Phe414=; no amino-acid change (phenylalanine 414 retained).
Molecular consequence: synonymous variant. On other transcripts: non-coding transcript variant (1).
Genome position (GRCh38, 1-based): chr2:25,246,657, G>A on the plus strand (C>T on the coding strand, the complement: DNMT3A is on the minus strand). VCF-style: chr2-25246657-G-A. GRCh37 (hg19) VCF-style: chr2-25469526-G-A.
Other names: c.786C>T, p.Phe262= (NM_001320893.1); c.573C>T, p.Phe191= (NM_001375819.1); c.675C>T, p.Phe225= (NM_153759.3); c.1242C>T, p.Phe414= (NM_175629.2); c.1242C>T (NM_022552.3).
Identifiers: ClinVar variation 2199567 (VCV002199567.8), dbSNP rs762101783, ClinGen allele CA1556099.

ClinVar aggregate classification (germline): Likely benign. Review status: criteria provided, multiple submitters, no conflicts (2 of 4 stars). 4 submissions from 4 submitters: Likely benign (3). 1 of the submissions does not count toward it. Last evaluated 2025-08-20.

Conditions:
Inborn genetic diseases. Identifiers: MedGen C0950123, MeSH D030342.
Tatton-Brown-Rahman overgrowth syndrome. Also called: Tall stature-intellectual disability-facial dysmorphism syndrome; Tatton-Brown-Rahman syndrome. Identifiers: Orphanet 404443, MedGen C4014545, MONDO:0014382, OMIM 615879.
DNMT3A-related disorder. Also called: DNMT3A-related disorders; DNMT3A-related condition.

Allele frequency attached by ClinVar (database versions not stated): TOPMed below 0.00001; ExAC 0.00001; gnomAD 0.00002.
gnomAD v4.1: 22 of 1,613,414 alleles (0.0014%); highest among the groups gnomAD compares: East Asian, 0.0022%; no homozygotes.

Submissions (4):

Labcorp Genetics (formerly Invitae), Labcorp
Classification: Likely benign for Tatton-Brown-Rahman overgrowth syndrome. Last evaluated: 2025-08-20. Review status: criteria provided, single submitter. Criteria: Invitae Variant Classification Sherloc (09022015). Collection method: clinical testing. Allele origin: germline.

Ambry Genetics
Classification: Likely benign for Inborn genetic diseases. Last evaluated: 2024-12-06. Review status: criteria provided, single submitter. Criteria: Ambry Variant Classification Scheme 2023. Collection method: clinical testing. Allele origin: germline.

Blueprint Genetics
Classification: Likely benign. Last evaluated: 2024-09-18. Review status: criteria provided, single submitter. Criteria: ACMG Guidelines, 2015. Collection method: clinical testing. Allele origin: germline.

PreventionGenetics, part of Exact Sciences
Classification: Likely benign for DNMT3A-related condition. Last evaluated: 2023-12-05. Review status: no assertion criteria provided. Collection method: clinical testing. Allele origin: germline. Not counted in ClinVar's aggregate classification.
Comment: This variant is classified as likely benign based on ACMG/AMP sequence variant interpretation guidelines (Richards et al. 2015 PMID: 25741868, with internal and published modifications).